The following is an entry in ClinVar:

ClinVar aggregate classification (germline): Likely benign (0 of 4 stars; one submission).

Conditions:
GADD45G-related disorder. Also called: GADD45G-related condition.

Allele frequency attached by ClinVar (database versions not stated): gnomAD exomes 0.00003; ExAC 0.00010; TOPMed 0.00027; gnomAD 0.00036; ESP Exome Variant Server 0.00038.

Submission:

PreventionGenetics, part of Exact Sciences
Classification: Likely benign for GADD45G-related condition. Last evaluated: 2019-07-16. Review status: no assertion criteria provided. Collection method: clinical testing. Allele origin: germline.
Comment: This variant is classified as likely benign based on ACMG/AMP sequence variant interpretation guidelines (Richards et al. 2015 PMID: 25741868, with internal and published modifications).

NM_006705.4(GADD45G):c.-1T>A

Gene: GADD45G (growth arrest and DNA damage inducible gamma; plus strand). Cytogenetic location: 9q22.2.
Variant type: single nucleotide variant.
Coding change: c.-1T>A on transcript NM_006705.4 (MANE Select); 1 bases upstream of the start codon, T replaced by A.
Molecular consequence: 5 prime UTR variant.
Genome position (GRCh38, 1-based): chr9:89,605,121, T>A. VCF-style: chr9-89605121-T-A. GRCh37 (hg19) VCF-style: chr9-92220036-T-A.
Identifiers: ClinVar variation 3050170 (VCV003050170.2), dbSNP rs141169302, ClinGen allele CA5118861.
Genomic context (GRCh38, chr9:89,605,121, plus strand): 5'-TTCGCCCGCGTCCCCTCCGCGCTCTCCGCTTGTGGATAACTAGCTGCTGGTTGATCGCAC[T>A]ATGACTCTGGAAGAAGTCCGCGGCCAGGACACAGTTCCGGAAAGCACAGCCAGGTGGGTT-3'